The following is an entry in ClinVar:

ClinVar aggregate classification (germline): Uncertain significance (1 of 4 stars; one submission).

Conditions:
GCM2-related disorder. Also called: GCM2-related condition.

Submission:

PreventionGenetics, part of Exact Sciences
Classification: Uncertain significance for GCM2-related condition. Last evaluated: 2026-09-18. Review status: criteria provided, single submitter. Criteria: ACMG Guidelines, 2015. Collection method: clinical testing. Allele origin: germline.
Comment: The GCM2 c.71A>G variant is predicted to result in the amino acid substitution p.Asn24Ser. To our knowledge, this variant has not been reported in the literature or in a large population database (gnomAD), indicating this variant is rare. At this time, the clinical significance of this variant is uncertain due to the absence of conclusive functional and genetic evidence.

NM_004752.4(GCM2):c.71A>G (p.Asn24Ser)

Gene: GCM2 (GCM transcription factor 2; minus strand). Cytogenetic location: 6p24.2.
Variant type: single nucleotide variant.
Coding change: c.71A>G on transcript NM_004752.4 (MANE Select); coding-DNA position 71, A replaced by G.
Protein change: p.Asn24Ser; replaces asparagine 24 with serine.
Molecular consequence: missense variant.
Genome position (GRCh38, 1-based): chr6:10,881,723, T>C on the plus strand (A>G on the coding strand, the complement: GCM2 is on the minus strand). VCF-style: chr6-10881723-T-C. GRCh37 (hg19) VCF-style: chr6-10881956-T-C.
Other names: short protein forms N24S.
Identifiers: ClinVar variation 4993738 (VCV004993738.1).